The following is an entry in ClinVar:

NM_001199267.2(DGKZ):c.1840G>A (p.Ala614Thr)

Gene: DGKZ (diacylglycerol kinase zeta; plus strand). Cytogenetic location: 11p11.2.
Variant type: single nucleotide variant.
Coding change: c.1840G>A on transcript NM_001199267.2 (MANE Select); coding-DNA position 1840, G replaced by A.
Protein change: p.Ala614Thr; replaces alanine 614 with threonine.
Molecular consequence: missense variant.
Genome position (GRCh38, 1-based): chr11:46,375,564, G>A. VCF-style: chr11-46375564-G-A. GRCh37 (hg19) VCF-style: chr11-46397114-G-A.
Other names: c.2407G>A, p.Ala803Thr (NM_001105540.2); c.1843G>A, p.Ala615Thr (NM_001199266.2, NM_003646.4); c.1774G>A, p.Ala592Thr (NM_001199268.2); c.1891G>A, p.Ala631Thr (NM_201532.3); c.1855G>A, p.Ala619Thr (NM_201533.3); short protein forms A619T, A614T, A615T, A803T, A592T, A631T.
Identifiers: ClinVar variation 1346123 (VCV001346123.8), dbSNP rs776203000, ClinGen allele CA5962973.

ClinVar aggregate classification (germline): Uncertain significance (1 of 4 stars; one submission).

Allele frequency attached by ClinVar (database versions not stated): gnomAD exomes 0.00005 and 0.00020; ExAC 0.00010; gnomAD 0.00025 and 0.00026; TOPMed 0.00025.
gnomAD v4.1: 110 of 1,591,090 alleles (0.0069%); highest among the groups gnomAD compares: Admixed American, 0.15%; no homozygotes.

Submission:

Labcorp Genetics (formerly Invitae), Labcorp
Classification: Uncertain significance. Last evaluated: 2025-09-09. Review status: criteria provided, single submitter. Criteria: Invitae Variant Classification Sherloc (09022015). Collection method: clinical testing. Allele origin: germline.
Comment: This sequence change replaces alanine, which is neutral and non-polar, with threonine, which is neutral and polar, at codon 803 of the DGKZ protein (p.Ala803Thr). This variant is present in population databases (rs776203000, gnomAD 0.1%), and has an allele count higher than expected for a pathogenic variant. This variant has not been reported in the literature in individuals affected with DGKZ-related conditions. ClinVar contains an entry for this variant (Variation ID: 1346123). An algorithm developed to predict the effect of missense changes on protein structure and function outputs the following: PolyPhen-2: "Benign". The threonine amino acid residue is found in multiple mammalian species, which suggests that this missense change does not adversely affect protein function. In summary, the available evidence is currently insufficient to determine the role of this variant in disease. Therefore, it has been classified as a Variant of Uncertain Significance.